The following is an entry in ClinVar:

NM_001363118.2(SLC52A2):c.-44C>T

Gene: SLC52A2 (solute carrier family 52 member 2; plus strand). Cytogenetic location: 8q24.3.
Variant type: single nucleotide variant.
Coding change: c.-44C>T on transcript NM_001363118.2 (MANE Select); 44 bases upstream of the start codon, C replaced by T.
Molecular consequence: 5 prime UTR variant. On other transcripts: non-coding transcript variant (1).
Genome position (GRCh38, 1-based): chr8:144,359,250, C>T. VCF-style: chr8-144359250-C-T. GRCh37 (hg19) VCF-style: chr8-145582910-C-T.
Other names: c.-44C>T (NM_001253815.2, NM_001253816.2, NM_001363120.2 and 3 more transcripts).
Identifiers: ClinVar variation 383420 (VCV000383420.1), dbSNP rs148535877, ClinGen allele CA4938051.
Genomic context (GRCh38, chr8:144,359,250, plus strand): 5'-GAAGTCTTCACTTCCCAGGAGAGCCAAAGCGTGTCTGGCCCTAGGTGGGAAAAGAACTGG[C>T]TGTGACCTTTGCCCTGACCTGGAAGGGCCCAGCCTTGGGCTGAATGGCAGCACCCACGCC-3'

ClinVar aggregate classification (germline): Likely benign (1 of 4 stars; one submission).

Allele frequency attached by ClinVar (database versions not stated): 1000 Genomes Project 0.00100; ExAC 0.00100; gnomAD exomes 0.00101 and 0.00177; 1000 Genomes Project 30x 0.00109; gnomAD 0.00125 and 0.00133; TOPMed 0.00130; ESP Exome Variant Server 0.00185.
gnomAD v4.1: 2,786 of 1,577,776 alleles (0.18%); highest among the groups gnomAD compares: Middle Eastern, 0.27%; 4 homozygotes.

Submission:

GeneDx
Classification: Likely benign. Last evaluated: 2017-11-02. Review status: criteria provided, single submitter. Criteria: GeneDx Variant Classification (06012015). Collection method: clinical testing. Allele origin: germline. Affected: yes.
Comment: This variant is considered likely benign or benign based on one or more of the following criteria: it is a conservative change, it occurs at a poorly conserved position in the protein, it is predicted to be benign by multiple in silico algorithms, and/or has population frequency not consistent with disease.